The following is an entry in ClinVar:

ClinVar aggregate classification (germline): Uncertain significance (1 of 4 stars; one submission).

Conditions:
Marfan syndrome (MFS). Also called: MARFAN SYNDROME, TYPE I; Marfan syndrome type 1; Marfan's syndrome; Marfan syndrome, classic; FBN1-Related Marfan Syndrome. Identifiers: Orphanet 284963, Orphanet 558, MedGen C0024796, MONDO:0007947, OMIM 154700.
Familial thoracic aortic aneurysm and aortic dissection (TAAD). Also called: Thoracic aortic aneurysms and dissections. Identifiers: Orphanet 91387, MedGen C4707243, MONDO:0019625.

gnomAD v4.1: 4 of 1,614,084 alleles (0.00025%); highest among the groups gnomAD compares: East Asian, 0.0089%; no homozygotes.

Submission:

Labcorp Genetics (formerly Invitae), Labcorp
Classification: Uncertain significance for Marfan syndrome; Familial thoracic aortic aneurysm and aortic dissection. Last evaluated: 2025-03-22. Review status: criteria provided, single submitter. Criteria: Invitae Variant Classification Sherloc (09022015). Collection method: clinical testing. Allele origin: germline.
Comment: This sequence change replaces arginine, which is basic and polar, with glycine, which is neutral and non-polar, at codon 2394 of the FBN1 protein (p.Arg2394Gly). This variant is not present in population databases (gnomAD no frequency). This variant has not been reported in the literature in individuals affected with FBN1-related conditions. Invitae Evidence Modeling of protein sequence and biophysical properties (such as structural, functional, and spatial information, amino acid conservation, physicochemical variation, residue mobility, and thermodynamic stability) indicates that this missense variant is not expected to disrupt FBN1 protein function with a negative predictive value of 95%. In summary, the available evidence is currently insufficient to determine the role of this variant in disease. Therefore, it has been classified as a Variant of Uncertain Significance.

NM_000138.5(FBN1):c.7180C>G (p.Arg2394Gly)

Gene: FBN1 (fibrillin 1; minus strand). Cytogenetic location: 15q21.1.
Variant type: single nucleotide variant.
Coding change: c.7180C>G on transcript NM_000138.5 (MANE Select); coding-DNA position 7180, C replaced by G.
Protein change: p.Arg2394Gly; replaces arginine 2394 with glycine.
Molecular consequence: missense variant.
Genome position (GRCh38, 1-based): chr15:48,427,591, G>C on the plus strand (C>G on the coding strand, the complement: FBN1 is on the minus strand). VCF-style: chr15-48427591-G-C. GRCh37 (hg19) VCF-style: chr15-48719788-G-C.
Other names: short protein forms R2394G.
Identifiers: ClinVar variation 3758971 (VCV003758971.2).